The following is an entry in ClinVar:

NM_000368.5(TSC1):c.2683G>A (p.Val895Ile)

Gene: TSC1 (TSC complex subunit 1; minus strand). Cytogenetic location: 9q34.13.
Variant type: single nucleotide variant.
Coding change: c.2683G>A on transcript NM_000368.5 (MANE Select); coding-DNA position 2683, G replaced by A.
Protein change: p.Val895Ile; replaces valine 895 with isoleucine.
Molecular consequence: missense variant.
Genome position (GRCh38, 1-based): chr9:132,897,553, C>T on the plus strand (G>A on the coding strand, the complement: TSC1 is on the minus strand). VCF-style: chr9-132897553-C-T. GRCh37 (hg19) VCF-style: chr9-135772940-C-T.
Other names: c.2680G>A, p.Val894Ile (NM_001162426.2); c.2530G>A, p.Val844Ile (NM_001162427.2); c.2320G>A, p.Val774Ile (NM_001362177.2); short protein forms V895I, V844I, V774I, V894I.
Identifiers: ClinVar variation 411268 (VCV000411268.13), dbSNP rs576476807, ClinGen allele CA034261.

ClinVar aggregate classification (germline): Conflicting classifications of pathogenicity. Review status: criteria provided, conflicting classifications (1 of 4 stars). 3 submissions from 3 submitters: Uncertain significance (2); Likely benign (1). Last evaluated 2025-06-15.

Conditions:
Hereditary cancer-predisposing syndrome. Also called: Hereditary neoplastic syndrome; Neoplastic Syndromes, Hereditary; Tumor predisposition; Hereditary Cancer Syndrome. Identifiers: Orphanet 140162, MedGen C0027672, MeSH D009386, MONDO:0015356.
Tuberous sclerosis 1 (TSC1). Identifiers: Orphanet 805, MedGen C1854465, MONDO:0008612, OMIM 191100.

Allele frequency attached by ClinVar (database versions not stated): gnomAD exomes below 0.00001; ExAC 0.00001; gnomAD 0.00001; 1000 Genomes Project 30x 0.00016; 1000 Genomes Project 0.00020.

Submissions (3):

Labcorp Genetics (formerly Invitae), Labcorp
Classification: Likely benign for Tuberous sclerosis 1. Last evaluated: 2025-06-15. Review status: criteria provided, single submitter. Criteria: Invitae Variant Classification Sherloc (09022015). Collection method: clinical testing. Allele origin: germline.

Ambry Genetics
Classification: Uncertain significance for Hereditary cancer-predisposing syndrome. Last evaluated: 2024-06-06. Review status: criteria provided, single submitter. Criteria: Ambry Variant Classification Scheme 2023. Collection method: clinical testing. Allele origin: germline.
Comment: The p.V895I variant (also known as c.2683G>A), located in coding exon 19 of the TSC1 gene, results from a G to A substitution at nucleotide position 2683. The valine at codon 895 is replaced by isoleucine, an amino acid with highly similar properties. This amino acid position is not well conserved in available vertebrate species. In addition, this alteration is predicted to be tolerated by in silico analysis. Based on the available evidence, the clinical significance of this variant remains unclear.

Clinical Genomics Laboratory, Washington University in St. Louis
Classification: Uncertain significance for Tuberous sclerosis 1. Last evaluated: 2023-10-31. Review status: criteria provided, single submitter. Criteria: ACMG Guidelines, 2015. Collection method: clinical testing. Allele origin: germline.
Comment: The TSC1 c.2683G>A (p.Val895Ile) variant was identified at near heterozygous allelic fraction of 48%, a frequency which may be consistent with it being of germline origin. To our knowledge, this variant has not been reported in the medical literature and is only observed on 1/142,322 alleles in the general population (gnomAD v3.1.2), indicating that it is not a common variant. The variant has been reported in the ClinVar database as a variant of uncertain significance by one submitter and a likely benign variant by another submitter (ClinVar Variation ID: 411268). Computational predictors suggest that the variant does not impact TSC1 function. Due to limited information, and based on the ACMG/AMP guidelines for variant interpretation (Richards S et al., PMID: 25741868), the clinical significance of the TSC1 c.2683G>A (p.Val895Ile) variant is uncertain at this time.